The following is an entry in ClinVar:

NM_001008537.3(NEXMIF):c.230C>T (p.Pro77Leu)

Gene: NEXMIF (neurite extension and migration factor; minus strand). Cytogenetic location: Xq13.3.
Variant type: single nucleotide variant.
Coding change: c.230C>T on transcript NM_001008537.3 (MANE Select); coding-DNA position 230, C replaced by T.
Protein change: p.Pro77Leu; replaces proline 77 with leucine.
Molecular consequence: missense variant.
Genome position (GRCh38, 1-based): chrX:74,744,327, G>A on the plus strand (C>T on the coding strand, the complement: NEXMIF is on the minus strand). VCF-style: chrX-74744327-G-A. GRCh37 (hg19) VCF-style: chrX-73964162-G-A.
Other names: short protein forms P77L.
Identifiers: ClinVar variation 2142063 (VCV002142063.2), dbSNP rs1456524704, ClinGen allele CA413674038.
Genomic context (GRCh38, chrX:74,744,327, plus strand): 5'-TTCACAGAAGCACTATTAGCAGCATGTTCGGGTGCTTCAATCAGGCCCAAAGGAGAGGGC[G>A]GGCTCTGCATACAGGGCTTCTTAGAGGGTAGAGGCAGGAGACCTCTGGGATACATCAGGG-3'
Protein context (NP_001008537.1, residues 67-87): LPSKKPCMQS[Pro77Leu]PSPLGLIEAP

ClinVar aggregate classification (germline): Uncertain significance (1 of 4 stars; one submission).

Allele frequency attached by ClinVar (database versions not stated): gnomAD exomes below 0.00001.
gnomAD v4.1: 2 of 1,211,498 alleles (0.00017%); highest among the groups gnomAD compares: Admixed American, 0.0022%; no homozygotes.

Submission:

Labcorp Genetics (formerly Invitae), Labcorp
Classification: Uncertain significance. Last evaluated: 2023-11-18. Review status: criteria provided, single submitter. Criteria: Invitae Variant Classification Sherloc (09022015). Collection method: clinical testing. Allele origin: germline.
Comment: This sequence change replaces proline, which is neutral and non-polar, with leucine, which is neutral and non-polar, at codon 77 of the NEXMIF protein (p.Pro77Leu). The frequency data for this variant in the population databases is considered unreliable, as metrics indicate poor data quality at this position in the gnomAD database. This variant has not been reported in the literature in individuals affected with NEXMIF-related conditions. ClinVar contains an entry for this variant (Variation ID: 2142063). An algorithm developed to predict the effect of missense changes on protein structure and function (PolyPhen-2) suggests that this variant is likely to be disruptive. In summary, the available evidence is currently insufficient to determine the role of this variant in disease. Therefore, it has been classified as a Variant of Uncertain Significance.